The following is an entry in ClinVar:

ClinVar aggregate classification (germline): Uncertain significance. Review status: criteria provided, multiple submitters, no conflicts (2 of 4 stars). 3 submissions from 3 submitters: Uncertain significance (2). 1 of the submissions does not count toward it. Last evaluated 2024-02-17.

Conditions:
Myofibrillar myopathy 3 (MFM3). Also called: Muscular dystrophy, proximal, type 1A; Autosomal dominant spheroid body myopathy. Identifiers: Orphanet 266, Orphanet 268129, MedGen C3714934, MONDO:0012215, OMIM 609200.

Allele frequency attached by ClinVar (database versions not stated): gnomAD exomes below 0.00001.
gnomAD v4.1: 3 of 1,614,114 alleles (0.00019%); highest among the groups gnomAD compares: Non-Finnish European, 0.00025%; no homozygotes.

Submissions (3):

Labcorp Genetics (formerly Invitae), Labcorp
Classification: Uncertain significance for Myofibrillar myopathy 3. Last evaluated: 2024-02-17. Review status: criteria provided, single submitter. Criteria: Invitae Variant Classification Sherloc (09022015). Collection method: clinical testing. Allele origin: germline.
Comment: This sequence change replaces lysine, which is basic and polar, with glutamine, which is neutral and polar, at codon 164 of the MYOT protein (p.Lys164Gln). This variant is present in population databases (no rsID available, gnomAD 0.0009%). This variant has not been reported in the literature in individuals affected with MYOT-related conditions. ClinVar contains an entry for this variant (Variation ID: 970619). An algorithm developed to predict the effect of missense changes on protein structure and function (PolyPhen-2) suggests that this variant is likely to be disruptive. In summary, the available evidence is currently insufficient to determine the role of this variant in disease. Therefore, it has been classified as a Variant of Uncertain Significance.

Human Genetics Bochum, Ruhr University Bochum
Classification: Uncertain significance for Myofibrillar myopathy 3. Last evaluated: 2023-04-04. Review status: criteria provided, single submitter. Criteria: ACMG Guidelines, 2015. Collection method: clinical testing. Allele origin: germline. Affected: yes.
Comment: ACMG criteria used to clasify this variant: PP3_MOD

Clinical Genetics Laboratory, University Hospital Schleswig-Holstein
Classification: Uncertain significance for Myofibrillar myopathy 3. Last evaluated: 2024-04-19. Review status: no assertion criteria provided. Collection method: clinical testing. Allele origin: germline. Affected: yes. Not counted in ClinVar's aggregate classification.

NM_006790.3(MYOT):c.490A>C (p.Lys164Gln)

Genes: MYOT (myotilin; plus strand), PKD2L2-DT (PKD2L2 divergent transcript; minus strand). Cytogenetic location: 5q31.2.
Variant type: single nucleotide variant.
Coding change: c.490A>C on transcript NM_006790.3 (MANE Select); coding-DNA position 490, A replaced by C.
Protein change: p.Lys164Gln; replaces lysine 164 with glutamine.
Molecular consequence: missense variant. On other transcripts: 5 prime UTR variant (1).
Genome position (GRCh38, 1-based): chr5:137,875,962, A>C. VCF-style: chr5-137875962-A-C. GRCh37 (hg19) VCF-style: chr5-137211651-A-C.
Other names: c.-63A>C (NM_001135940.2); c.145A>C, p.Lys49Gln (NM_001300911.2); short protein forms K164Q, K49Q.
Identifiers: ClinVar variation 970619 (VCV000970619.12), dbSNP rs1214787397, ClinGen allele CA361054375.